The following is an entry in ClinVar:

NM_001165963.4(SCN1A):c.4795T>G (p.Tyr1599Asp)

Genes: SCN1A (sodium voltage-gated channel alpha subunit 1; minus strand), LOC102724058 (uncharacterized LOC102724058; plus strand). Cytogenetic location: 2q24.3.
Variant type: single nucleotide variant.
Coding change: c.4795T>G on transcript NM_001165963.4 (MANE Select); coding-DNA position 4795, T replaced by G.
Protein change: p.Tyr1599Asp; replaces tyrosine 1599 with aspartic acid.
Molecular consequence: missense variant. On other transcripts: non-coding transcript variant (1).
Genome position (GRCh38, 1-based): chr2:165,994,203, A>C on the plus strand (T>G on the coding strand, the complement: SCN1A is on the minus strand). VCF-style: chr2-165994203-A-C. GRCh37 (hg19) VCF-style: chr2-166850713-A-C.
Other names: c.4711T>G, p.Tyr1571Asp (NM_001165964.3, NM_001353957.2, NM_001353958.2); c.4795T>G, p.Tyr1599Asp (NM_001202435.3, NM_001353948.2); c.4762T>G, p.Tyr1588Asp (NM_001353949.2, NM_001353950.2, NM_001353951.2 and 2 more transcripts); c.4759T>G, p.Tyr1587Asp (NM_001353954.2, NM_001353955.2); c.4708T>G, p.Tyr1570Asp (NM_001353960.2); c.2353T>G, p.Tyr785Asp (NM_001353961.2); short protein forms Y1570D, Y1571D, Y1587D, Y1588D, Y1599D, Y785D.
Identifiers: ClinVar variation 1018634 (VCV001018634.11), dbSNP rs1689679432, ClinGen allele CA349071506.

ClinVar aggregate classification (germline): Conflicting classifications of pathogenicity. Review status: criteria provided, conflicting classifications (1 of 4 stars). 2 submissions from 2 submitters: Pathogenic (1); Uncertain significance (1). Last evaluated 2024-02-28.

Conditions:
Early-infantile DEE. Also called: Ohtahara syndrome; Early infantile epileptic encephalopathy with suppression bursts; Early infantile epileptic encephalopathy. Identifiers: Orphanet 1934, MedGen C0393706, MONDO:0800491.
Generalized epilepsy with febrile seizures plus, type 2 (GEFSP2). Also called: GEFS+, TYPE 2. Identifiers: Orphanet 36387, MedGen C1858673, MONDO:0011461, OMIM 604403.

Submissions (2):

Institute of Human Genetics, University of Leipzig Medical Center
Classification: Uncertain significance for Generalized epilepsy with febrile seizures plus, type 2. Last evaluated: 2024-02-28. Review status: criteria provided, single submitter. Criteria: ACMG Guidelines, 2015. Collection method: clinical testing. Allele origin: maternal. Inheritance: Autosomal dominant inheritance. Affected: yes.
Comment: Criteria applied: PS4_SUP,PM2_SUP,PP2,PP3

Labcorp Genetics (formerly Invitae), Labcorp
Classification: Pathogenic for Early-infantile DEE. Last evaluated: 2021-01-05. Review status: criteria provided, single submitter. Criteria: Invitae Variant Classification Sherloc (09022015). Collection method: clinical testing. Allele origin: germline.
Comment: For these reasons, this variant has been classified as Pathogenic. Advanced modeling of protein sequence and biophysical properties (such as structural, functional, and spatial information, amino acid conservation, physicochemical variation, residue mobility, and thermodynamic stability) performed at Invitae indicates that this missense variant is expected to disrupt SCN1A protein function. This variant has been observed in individual(s) with SCN1A-related conditions (Invitae). In at least one individual the variant was observed to be de novo. This variant is not present in population databases (ExAC no frequency). This sequence change replaces tyrosine with aspartic acid at codon 1599 of the SCN1A protein (p.Tyr1599Asp). The tyrosine residue is highly conserved and there is a large physicochemical difference between tyrosine and aspartic acid.